The following is an entry in ClinVar:

NM_000083.3(CLCN1):c.546C>G (p.Ile182Met)

Gene: CLCN1 (chloride voltage-gated channel 1; plus strand). Cytogenetic location: 7q34.
Variant type: single nucleotide variant.
Coding change: c.546C>G on transcript NM_000083.3 (MANE Select); coding-DNA position 546, C replaced by G.
Protein change: p.Ile182Met; replaces isoleucine 182 with methionine.
Molecular consequence: missense variant. On other transcripts: non-coding transcript variant (1).
Genome position (GRCh38, 1-based): chr7:143,321,477, C>G. VCF-style: chr7-143321477-C-G. GRCh37 (hg19) VCF-style: chr7-143018570-C-G.
Other names: short protein forms I182M.
Identifiers: ClinVar variation 910908 (VCV000910908.14), dbSNP rs980845093, ClinGen allele CA168255814.
Genomic context (GRCh38, chr7:143,321,477, plus strand): 5'-GGTCTGGGTCACCTTCCCACTAGTCCTCATCCTCTTCAGCGCCCTCTTCTGCCACCTCAT[C>G]TCTCCCCAGGCTGTTGGTGAGAACTTGCCACCAGACTCGGCCTGAGCTGGGTGGCCTGAG-3'
Protein context (NP_000074.3, residues 172-192): ILFSALFCHL[Ile182Met]SPQAVGSGIP

ClinVar aggregate classification (germline): Uncertain significance. Review status: criteria provided, multiple submitters, no conflicts (2 of 4 stars). 4 submissions from 4 submitters: Uncertain significance (4). Last evaluated 2025-01-22.

Conditions:
Congenital myotonia, autosomal dominant form (THD). Also called: THOMSEN DISEASE; Myotonia congenita autosomal dominant. Identifiers: Orphanet 614, MedGen C2936781, MONDO:0008055, OMIM 160800.
Congenital myotonia, autosomal recessive form. Also called: Becker Generalized Myotonia; myotonia congenita, autosomal recessive; BECKER DISEASE. Identifiers: Orphanet 614, MedGen C0751360, MONDO:0009715, OMIM 255700.
Inborn genetic diseases. Identifiers: MedGen C0950123, MeSH D030342.
Batten-Turner congenital myopathy. Also called: Myotonia congenita; Congenital myotonia. Identifiers: Orphanet 206973, MedGen C0027127, MONDO:0100468, OMIM 255300.

gnomAD v4.1: 4 of 1,614,154 alleles (0.00025%); highest among the groups gnomAD compares: Non-Finnish European, 0.00034%; no homozygotes.

Submissions (4):

Labcorp Genetics (formerly Invitae), Labcorp
Classification: Uncertain significance for Congenital myotonia, autosomal recessive form; Congenital myotonia, autosomal dominant form. Last evaluated: 2025-01-22. Review status: criteria provided, single submitter. Criteria: Invitae Variant Classification Sherloc (09022015). Collection method: clinical testing. Allele origin: germline.
Comment: This sequence change replaces isoleucine, which is neutral and non-polar, with methionine, which is neutral and non-polar, at codon 182 of the CLCN1 protein (p.Ile182Met). This variant is not present in population databases (gnomAD no frequency). This variant has not been reported in the literature in individuals affected with CLCN1-related conditions. ClinVar contains an entry for this variant (Variation ID: 910908). Invitae Evidence Modeling of protein sequence and biophysical properties (such as structural, functional, and spatial information, amino acid conservation, physicochemical variation, residue mobility, and thermodynamic stability) has been performed for this missense variant. However, the output from this modeling did not meet the statistical confidence thresholds required to predict the impact of this variant on CLCN1 protein function. In summary, the available evidence is currently insufficient to determine the role of this variant in disease. Therefore, it has been classified as a Variant of Uncertain Significance.

Ambry Genetics
Classification: Uncertain significance for Inborn genetic diseases. Last evaluated: 2025-01-08. Review status: criteria provided, single submitter. Criteria: Ambry Variant Classification Scheme 2023. Collection method: clinical testing. Allele origin: germline.

Fulgent Genetics
Classification: Uncertain significance for Congenital myotonia, autosomal dominant form; Congenital myotonia, autosomal recessive form. Last evaluated: 2024-01-27. Review status: criteria provided, single submitter. Criteria: ACMG Guidelines, 2015. Collection method: clinical testing. Allele origin: germline.

Illumina Laboratory Services, Illumina
Classification: Uncertain significance for Myotonia congenita. Last evaluated: 2018-01-12. Review status: criteria provided, single submitter. Criteria: ICSL Variant Classification Criteria 13 December 2019. Collection method: clinical testing. Allele origin: germline.